The following is an entry in ClinVar:

NM_000540.3(RYR1):c.5637C>T (p.Asp1879=)

Gene: RYR1 (ryanodine receptor 1; plus strand). Cytogenetic location: 19q13.2.
Variant type: single nucleotide variant.
Coding change: c.5637C>T on transcript NM_000540.3 (MANE Select); coding-DNA position 5637, C replaced by T.
Protein change: p.Asp1879=; no amino-acid change (aspartic acid 1879 retained).
Molecular consequence: synonymous variant.
Genome position (GRCh38, 1-based): chr19:38,489,266, C>T. VCF-style: chr19-38489266-C-T. GRCh37 (hg19) VCF-style: chr19-38979906-C-T.
Other names: c.5637C>T, p.Asp1879= (NM_001042723.2).
Identifiers: ClinVar variation 93276 (VCV000093276.70), dbSNP rs143418190, ClinGen allele CA024532.

ClinVar aggregate classification (germline): Conflicting classifications of pathogenicity. Review status: criteria provided, conflicting classifications (1 of 4 stars). 9 submissions from 8 submitters: Uncertain significance (3); Likely benign (5). 1 of the submissions does not count toward it. Last evaluated 2025-11-17.

Conditions:
RYR1-related disorder. Also called: RYR1-related disorders; RYR1-related condition. Identifiers: MedGen CN239331.
Congenital multicore myopathy with external ophthalmoplegia (CMYO1B). Also called: MULTICORE MYOPATHY; Minicore myopathy with external ophthalmoplegia; MULTIMINICORE DISEASE WITH EXTERNAL OPHTHALMOPLEGIA; Congenital myopathy 1B, autosomal recessive; Minicore myopathy. Identifiers: Orphanet 598, Orphanet 98905, MedGen C1850674, MONDO:0009712, OMIM 255320, HP:0003789.
Malignant hyperthermia, susceptibility to, 1 (MHS1). Also called: RYR1-Related Malignant Hyperthermia Susceptibility; Anesthesia related hyperthermia; Malignant hyperpyrexia; Fulminating hyperpyrexia; Pharmacogenic myopathy; Malignant hyperthermia suceptibility 1. Identifiers: Orphanet 423, MedGen C2930980, MONDO:0007783, OMIM 145600.

Allele frequency attached by ClinVar (database versions not stated): gnomAD 0.00007 and 0.00009; gnomAD exomes 0.00010; ExAC 0.00013; TOPMed 0.00015; ESP Exome Variant Server 0.00054.
gnomAD v4.1: 350 of 1,607,602 alleles (0.022%); highest among the groups gnomAD compares: Non-Finnish European, 0.028%; no homozygotes.

Submissions (9):

Labcorp Genetics (formerly Invitae), Labcorp
Classification: Likely benign for RYR1-related disorder. Last evaluated: 2025-11-17. Review status: criteria provided, single submitter. Criteria: Invitae Variant Classification Sherloc (09022015). Collection method: clinical testing. Allele origin: germline.

CeGaT Center for Human Genetics Tuebingen
Classification: Likely benign. Last evaluated: 2025-03-01. Review status: criteria provided, single submitter. Criteria: CeGaT Center For Human Genetics Tuebingen Variant Classification Criteria Version 2. Collection method: clinical testing. Allele origin: germline. Affected: yes. Observed: 3 variant alleles.
Comment: RYR1: BP4, BP7

Blueprint Genetics
Classification: Likely benign. Last evaluated: 2024-10-18. Review status: criteria provided, single submitter. Criteria: ACMG Guidelines, 2015. Collection method: clinical testing. Allele origin: germline.

Color Diagnostics, LLC DBA Color Health
Classification: Likely benign for Malignant hyperthermia, susceptibility to, 1. Last evaluated: 2022-11-06. Review status: criteria provided, single submitter. Criteria: ACMG Guidelines, 2015. Collection method: clinical testing. Allele origin: germline.

GeneDx
Classification: Likely benign. Last evaluated: 2019-03-08. Review status: criteria provided, single submitter. Criteria: GeneDx Variant Classification Process June 2021. Collection method: clinical testing. Allele origin: germline. Affected: yes.

Illumina Laboratory Services, Illumina
Classification: Uncertain significance for Malignant hyperthermia, susceptibility to, 1. Last evaluated: 2018-01-13. Review status: criteria provided, single submitter. Criteria: ICSL Variant Classification Criteria 13 December 2019. Collection method: clinical testing. Allele origin: germline.

Illumina Laboratory Services, Illumina
Classification: Uncertain significance for Congenital multicore myopathy with external ophthalmoplegia. Last evaluated: 2018-01-13. Review status: criteria provided, single submitter. Criteria: ICSL Variant Classification Criteria 13 December 2019. Collection method: clinical testing. Allele origin: germline.

Eurofins Ntd Llc (ga)
Classification: Uncertain significance. Last evaluated: 2013-10-17. Review status: criteria provided, single submitter. Criteria: EGL Classification Definitions 2015. Collection method: clinical testing. Allele origin: germline. Observed: 1 variant allele, 1 heterozygote.

PreventionGenetics, part of Exact Sciences
Classification: Likely benign for RYR1-related condition. Last evaluated: 2023-04-20. Review status: no assertion criteria provided. Collection method: clinical testing. Allele origin: germline. Not counted in ClinVar's aggregate classification.
Comment: This variant is classified as likely benign based on ACMG/AMP sequence variant interpretation guidelines (Richards et al. 2015 PMID: 25741868, with internal and published modifications).